The following is an entry in ClinVar:

ClinVar aggregate classification (germline): Uncertain significance (1 of 4 stars; one submission).

Allele frequency attached by ClinVar (database versions not stated): ExAC 0.00004; gnomAD exomes 0.00004; gnomAD 0.00014 and 0.00016; 1000 Genomes Project 30x 0.00016; TOPMed 0.00016; 1000 Genomes Project 0.00020; ESP Exome Variant Server 0.00031.

Submission:

Labcorp Genetics (formerly Invitae), Labcorp
Classification: Uncertain significance. Last evaluated: 2025-05-27. Review status: criteria provided, single submitter. Criteria: Invitae Variant Classification Sherloc (09022015). Collection method: clinical testing. Allele origin: germline.
Comment: This sequence change replaces methionine, which is neutral and non-polar, with valine, which is neutral and non-polar, at codon 95 of the NCSTN protein (p.Met95Val). This variant is present in population databases (rs115999266, gnomAD 0.04%). This variant has not been reported in the literature in individuals affected with NCSTN-related conditions. ClinVar contains an entry for this variant (Variation ID: 1475528). Invitae Evidence Modeling of protein sequence and biophysical properties (such as structural, functional, and spatial information, amino acid conservation, physicochemical variation, residue mobility, and thermodynamic stability) indicates that this missense variant is not expected to disrupt NCSTN protein function with a negative predictive value of 80%. In summary, the available evidence is currently insufficient to determine the role of this variant in disease. Therefore, it has been classified as a Variant of Uncertain Significance.

NM_015331.3(NCSTN):c.283A>G (p.Met95Val)

Gene: NCSTN (nicastrin; plus strand). Cytogenetic location: 1q23.2.
Variant type: single nucleotide variant.
Coding change: c.283A>G on transcript NM_015331.3 (MANE Select); coding-DNA position 283, A replaced by G.
Protein change: p.Met95Val; replaces methionine 95 with valine.
Molecular consequence: missense variant.
Genome position (GRCh38, 1-based): chr1:160,349,091, A>G. VCF-style: chr1-160349091-A-G. GRCh37 (hg19) VCF-style: chr1-160318881-A-G.
Other names: c.223A>G, p.Met75Val (NM_001290184.2); c.283A>G, p.Met95Val (NM_001290186.2, NM_001349729.2); short protein forms M75V, M95V.
Identifiers: ClinVar variation 1475528 (VCV001475528.8), dbSNP rs115999266, ClinGen allele CA1198648.